The following is an entry in ClinVar:

ClinVar aggregate classification (germline): Pathogenic (1 of 4 stars; one submission).

Submission:

Labcorp Genetics (formerly Invitae), Labcorp
Classification: Pathogenic. Last evaluated: 2019-08-24. Review status: criteria provided, single submitter. Criteria: Invitae Variant Classification Sherloc (09022015). Collection method: clinical testing. Allele origin: germline.
Comment: For these reasons, this variant has been classified as Pathogenic. Loss-of-function variants in ATP6V1B1 are known to be pathogenic (PMID: 9916796, 18368028). This variant has not been reported in the literature in individuals with ATP6V1B1-related conditions. This variant is an out-of-frame deletion of the genomic region encompassing exons 5-8 of the ATP6V1B1 gene. This is expected to create a premature translational stop signal and result in an absent or disrupted protein product.

Literature cited by the submitters: PubMed 9916796; PubMed 18368028.

NC_000002.12:g.(?_70959008)_(70961703_?)del

Gene: ATP6V1B1 (ATPase H+ transporting V1 subunit B1; plus strand). Cytogenetic location: 2p13.3.
Variant type: Deletion.
Identifiers: ClinVar variation 830934 (VCV000830934.3).